The following is an entry in ClinVar:

ClinVar aggregate classification (germline): conflicting data from submitters (0 of 4 stars; one submission).

Submission:

ISCA site 1
Classification: conflicting data from submitters. Last evaluated: 2015-01-05. Review status: no assertion criteria provided. Collection method: clinical testing. Allele origin: paternal, unknown. Affected: yes. Observed: 3 variant alleles. Clinical features observed: Hearing impairment (HP:0000365), Global developmental delay (HP:0001263), Stridor (HP:0010307), Delayed speech and language development (HP:0000750), Intellectual disability (HP:0001249), Seizures (HP:0001250), Muscular hypotonia (HP:0001252), Agenesis of corpus callosum (HP:0001274), Failure to thrive (HP:0001508), Morphological abnormality of the central nervous system (HP:0002011), Delayed gross motor development (HP:0002194), Delayed fine motor development (HP:0010862), and 4 more.
Comment: Uncertain significance(2), Likely benign (1)

Copy number variation identified through the course of routine clinical cytogenomic testing in postnatal populations, with clinical assertions as classified by the original submitter. For data from the original published study, Kaminsky, et al. 2011 (PubMed 21844811), please see nstd101.

GRCh38/hg38 7p11.2(chr7:57193415-57863780)x3

Genes: MIR3147 (microRNA 3147; plus strand), MIR3147HG (MIR3147 host gene; plus strand), ZNF716 (zinc finger protein 716; plus strand), LOC105375297 (uncharacterized LOC105375297; minus strand), LOC132089552 (Neanderthal introgressed variant-containing enhancer experimental_99715; plus strand). Cytogenetic location: 7p11.2.
Variant type: copy number gain.
Change: copy number 3 (three copies instead of two) of chr7:57,193,415-57,863,780 (670.4 kb, GRCh38 coordinates, 1-based), cytogenetic band 7p11.2.
Identifiers: ClinVar variation 153523 (VCV000153523.2).